The following is an entry in ClinVar:

ClinVar aggregate classification (germline): Uncertain significance. Review status: criteria provided, multiple submitters, no conflicts (2 of 4 stars). 3 submissions from 3 submitters: Uncertain significance (3). Last evaluated 2024-08-20.

Allele frequency attached by ClinVar (database versions not stated): TOPMed 0.00002; gnomAD 0.00003.
gnomAD v4.1: 22 of 1,613,520 alleles (0.0014%); highest among the groups gnomAD compares: African/African-American, 0.004%; no homozygotes.

Submissions (3):

Mayo Clinic Laboratories, Mayo Clinic
Classification: Uncertain significance. Last evaluated: 2024-08-20. Review status: criteria provided, single submitter. Criteria: ACMG Guidelines, 2015. Collection method: clinical testing. Allele origin: germline. Observed: 1 variant allele.
Comment: BP4

Blueprint Genetics
Classification: Uncertain significance. Last evaluated: 2023-08-17. Review status: criteria provided, single submitter. Criteria: ACMG Guidelines, 2015. Collection method: clinical testing. Allele origin: germline.

Ambry Genetics
Classification: Uncertain significance. Last evaluated: 2021-10-20. Review status: criteria provided, single submitter. Criteria: Ambry Variant Classification Scheme 2023. Collection method: clinical testing. Allele origin: germline.

NM_002972.4(SBF1):c.3343C>T (p.Arg1115Cys)

Gene: SBF1 (SET binding factor 1; minus strand). Cytogenetic location: 22q13.33.
Variant type: single nucleotide variant.
Coding change: c.3343C>T on transcript NM_002972.4 (MANE Select); coding-DNA position 3343, C replaced by T.
Protein change: p.Arg1115Cys; replaces arginine 1115 with cysteine.
Molecular consequence: missense variant.
Genome position (GRCh38, 1-based): chr22:50,460,100, G>A on the plus strand (C>T on the coding strand, the complement: SBF1 is on the minus strand). VCF-style: chr22-50460100-G-A. GRCh37 (hg19) VCF-style: chr22-50898529-G-A.
Other names: p.Arg1115Cys; c.3346C>T, p.Arg1116Cys (NM_001365819.1, NM_001410794.1); c.3343C>T, p.Arg1115Cys (NM_001410795.1, NM_197971.1); short protein forms R1116C, R1115C.
Identifiers: ClinVar variation 2255866 (VCV002255866.4), dbSNP rs1381325777, ClinGen allele CA412205133.